The following is an entry in ClinVar:

NM_001321218.2(B9D1):c.473-1G>C

Gene: B9D1 (B9 domain containing 1; minus strand). Cytogenetic location: 17p11.2.
Variant type: single nucleotide variant.
Coding change: c.473-1G>C on transcript NM_001321218.2; the canonical splice acceptor site of the intron before coding-DNA position 473, G replaced by C.
Molecular consequence: splice acceptor variant.
Genome position (GRCh38, 1-based): chr17:19,337,749, C>G on the plus strand (G>C on the coding strand, the complement: B9D1 is on the minus strand). VCF-style: chr17-19337749-C-G. GRCh37 (hg19) VCF-style: chr17-19241062-C-G.
Other names: NC_000017.10:g.19241062C>G; c.113-1G>C (NM_001368769.2); c.405-1G>C (NM_001321219.2).
Identifiers: ClinVar variation 376895 (VCV000376895.11), dbSNP rs73980009, ClinGen allele CA8440035.
Genomic context (GRCh38, chr17:19,337,749, plus strand): 5'-GGACTCAAGCCGCTTTCATCTTGAAACACTGCTATCTTTGACAGACAGCCCTGAAGGTGG[C>G]TATGAAGGGAAAAATGGACAAGGGTCAAGCATAGATTTCTTACAGCCAGGCCTGGAATTG-3'

ClinVar aggregate classification (germline): Conflicting classifications of pathogenicity. Review status: criteria provided, conflicting classifications (1 of 4 stars). 5 submissions from 5 submitters: Likely pathogenic (1); Benign (1); Likely benign (2). 1 of the submissions does not count toward it. Last evaluated 2023-12-18.

Conditions:
Joubert syndrome 27 (JBTS27). Identifiers: MedGen C4310706, MONDO:0014927, OMIM 617120.
B9D1-related disorder. Also called: B9D1-related condition; B9D1-related disorders.

Allele frequency attached by ClinVar (database versions not stated): gnomAD exomes 0.00145 and 0.00284; ExAC 0.00236; gnomAD 0.01074 and 0.01140; TOPMed 0.01229; 1000 Genomes Project 0.01338; 1000 Genomes Project 30x 0.01327.
gnomAD v4.1: 3,760 of 1,534,642 alleles (0.25%); highest among the groups gnomAD compares: African/African-American, 3.7%; 53 homozygotes.

Submissions (6):

Laboratory for Molecular Medicine, Mass General Brigham Personalized Medicine
Classification: Benign. Last evaluated: 2023-12-18. Review status: criteria provided, single submitter. Criteria: ACMG Guidelines, 2015. Collection method: clinical testing. Allele origin: germline.
Comment: The c.473-1G>C variant in B9D1 is classified as benign because it has been identified in 3.5% (1469/41430) of African chromosomes by gnomAD (v.3.1.2). ACMG/AMP Criteria applied: BA1.

New York Genome Center
Classification: Likely pathogenic for Joubert syndrome 27. Last evaluated: 2019-09-26. Review status: criteria provided, single submitter. Criteria: NYGC Assertion Criteria 2020. Collection method: clinical testing. Allele origin: germline. Inheritance: Autosomal recessive inheritance. Observed: 1 heterozygote. Study: CSER-NYCKidSeq.

GeneDx
Classification: Likely benign. Last evaluated: 2018-12-23. Review status: criteria provided, single submitter. Criteria: GeneDx Variant Classification Process June 2021. Collection method: clinical testing. Allele origin: germline. Affected: yes.

Center for Pediatric Genomic Medicine, Children's Mercy Hospital and Clinics
Classification: Likely benign. Last evaluated: 2017-01-31. Review status: criteria provided, single submitter. Criteria: ACMG Guidelines, 2015. Collection method: clinical testing. Allele origin: germline.
ClinVar note: Converted during submission from Likely Benign to Likely benign.

PreventionGenetics, part of Exact Sciences
Classification: Likely benign for B9D1-related condition. Last evaluated: 2019-06-05. Review status: no assertion criteria provided. Collection method: clinical testing. Allele origin: germline. Not counted in ClinVar's aggregate classification.
Comment: This variant is classified as likely benign based on ACMG/AMP sequence variant interpretation guidelines (Richards et al. 2015 PMID: 25741868, with internal and published modifications).

Dr. Peter K. Rogan Lab, Western University
No classification provided (evidence only). Condition: Uterine corpus endometrial carcinoma. Review status: no classification provided. Collection method: in vitro. Allele origin: not applicable. Functional consequence: retained intron. Not counted in ClinVar's aggregate classification.